The following is an entry in ClinVar:

NM_000379.4(XDH):c.291G>T (p.Arg97Ser)

Gene: XDH (xanthine dehydrogenase; minus strand). Cytogenetic location: 2p23.1.
Variant type: single nucleotide variant.
Coding change: c.291G>T on transcript NM_000379.4 (MANE Select); coding-DNA position 291, G replaced by T.
Protein change: p.Arg97Ser; replaces arginine 97 with serine.
Molecular consequence: missense variant.
Genome position (GRCh38, 1-based): chr2:31,401,235, C>A on the plus strand (G>T on the coding strand, the complement: XDH is on the minus strand). VCF-style: chr2-31401235-C-A. GRCh37 (hg19) VCF-style: chr2-31624101-C-A.
Other names: c.291G>T (NM_000379.3); short protein forms R97S.
Identifiers: ClinVar variation 2147153 (VCV002147153.4), dbSNP rs763026593, ClinGen allele CA1599698.
Genomic context (GRCh38, chr2:31,401,235, plus strand): 5'-GAAAGAGCCTGATCTCAAGAGCACAGCTCCCTTTCCTCTGTTTACCTGCACAGGATGCAG[C>A]CTCGTCTTGGTGCTTCCTATTCCTTCCACAGTTGTCACTGCAACATGGTGCAAGGAGCAG-3'
Protein context (NP_000370.2, residues 87-107): TVEGIGSTKT[Arg97Ser]LHPVQERIAK

ClinVar aggregate classification (germline): Uncertain significance. Review status: criteria provided, multiple submitters, no conflicts (2 of 4 stars). 2 submissions from 2 submitters: Uncertain significance (2). Last evaluated 2026-02-05.

Conditions:
Xanthinuria type II. Also called: Xanthine dehydrogenase and aldehyde oxidase combined deficiency of; XDH and AOX dual deficiency. Identifiers: Orphanet 3467, Orphanet 93602, MedGen C1863688, MONDO:0011346, OMIM 603592.

Allele frequency attached by ClinVar (database versions not stated): gnomAD exomes 0.00001; ExAC 0.00002.
gnomAD v4.1: 3 of 1,614,166 alleles (0.00019%); highest among the groups gnomAD compares: East Asian, 0.0067%; no homozygotes.

Submissions (2):

GeneDx
Classification: Uncertain significance. Last evaluated: 2026-02-05. Review status: criteria provided, single submitter. Criteria: GeneDx Variant Classification Process June 2021. Collection method: clinical testing. Allele origin: germline.
Comment: In silico analysis supports that this missense variant has a deleterious effect on protein structure/function; Has not been previously published as pathogenic or benign to our knowledge

Labcorp Genetics (formerly Invitae), Labcorp
Classification: Uncertain significance for Xanthinuria type II. Last evaluated: 2022-06-23. Review status: criteria provided, single submitter. Criteria: Invitae Variant Classification Sherloc (09022015). Collection method: clinical testing. Allele origin: germline.
Comment: This sequence change replaces arginine, which is basic and polar, with serine, which is neutral and polar, at codon 97 of the XDH protein (p.Arg97Ser). This variant is present in population databases (rs763026593, gnomAD 0.02%). In summary, the available evidence is currently insufficient to determine the role of this variant in disease. Therefore, it has been classified as a Variant of Uncertain Significance. Algorithms developed to predict the effect of missense changes on protein structure and function (SIFT, PolyPhen-2, Align-GVGD) all suggest that this variant is likely to be disruptive. This variant has not been reported in the literature in individuals affected with XDH-related conditions.